The following is an entry in ClinVar:

ClinVar aggregate classification (germline): Pathogenic (1 of 4 stars; one submission).

Conditions:
Ehlers-Danlos syndrome due to tenascin-X deficiency (EDSCLL1). Also called: EDS DUE TO TNX DEFICIENCY; TNX DEFICIENCY; Ehlers-Danlos syndrome, classic-like, 1; EHLERS-DANLOS SYNDROME, CLASSIC-LIKE; TNXB-Related Classical-Like Ehlers-Danlos Syndrome. Identifiers: Orphanet 230839, MedGen C1848029, MONDO:0011670, OMIM 606408.

Submission:

Myriad Genetics, Inc.
Classification: Pathogenic for Ehlers-Danlos syndrome due to tenascin-X deficiency. Last evaluated: 2026-08-18. Review status: criteria provided, single submitter. Criteria: Myriad Autosomal Dominant, Autosomal Recessive and X-Linked Classification Criteria (2023). Collection method: clinical testing. Allele origin: unknown.
Comment: NM_019105.6(TNXB):c.6902_6903dupCC(I2302Pfs*9) is expected to be pathogenic in the context of classical-like Ehlers-Danlos syndrome, TNXB-related. This variant is predicted to lead to an abnormal or absent protein product due to the creation of a premature termination codon in TNXB, a gene where loss-of-function variants are known to be pathogenic. Please note: this variant was assessed in the context of healthy population screening.

NM_001365276.2(TNXB):c.6902_6903dup (p.Ile2302fs)

Gene: TNXB (tenascin XB; minus strand). Cytogenetic location: 6p21.33.
Variant type: Duplication.
Coding change: c.6902_6903dup on transcript NM_001365276.2 (MANE Select); coding-DNA positions 6902 to 6903, 2 bases duplicated (CC; older notation c.6902_6903dupCC).
Protein change: p.Ile2302fs; shifts the reading frame from isoleucine 2302.
Molecular consequence: frameshift variant.
Genome position (GRCh38, 1-based): chr6:32,062,422-32,062,423, GG duplicated on the plus strand (CC on the coding strand, the reverse complement: TNXB is on the minus strand); duplicating any 2 consecutive bases within chr6:32,062,422-32,062,427 gives the same sequence; the c. name uses the placement nearest the transcript's 3' end. VCF-style (leftmost placement, unchanged base first): chr6-32062421-T-TGG. GRCh37 (hg19) VCF-style: chr6-32030198-T-TGG.
Other names: c.7643_7644dup, p.Ile2549fs (NM_001428335.1); c.6902_6903dup, p.Ile2302fs (NM_019105.8); short protein forms I2302fs, I2549fs.
Identifiers: ClinVar variation 5016252 (VCV005016252.1).